The following is an entry in ClinVar:

NM_001365276.2(TNXB):c.1975C>G (p.Arg659Gly)

Gene: TNXB (tenascin XB; minus strand). Cytogenetic location: 6p21.33.
Variant type: single nucleotide variant.
Coding change: c.1975C>G on transcript NM_001365276.2 (MANE Select); coding-DNA position 1975, C replaced by G.
Protein change: p.Arg659Gly; replaces arginine 659 with glycine.
Molecular consequence: missense variant.
Genome position (GRCh38, 1-based): chr6:32,095,878, G>C on the plus strand (C>G on the coding strand, the complement: TNXB is on the minus strand). VCF-style: chr6-32095878-G-C. GRCh37 (hg19) VCF-style: chr6-32063655-G-C.
Other names: c.1975C>G, p.Arg659Gly (NM_019105.8); short protein forms R659G.
Identifiers: ClinVar variation 3327912 (VCV003327912.1).

ClinVar aggregate classification (germline): Uncertain significance (1 of 4 stars; one submission).

Conditions:
Cardiovascular phenotype. Identifiers: MedGen CN230736.

Submission:

Ambry Genetics
Classification: Uncertain significance for Cardiovascular phenotype. Last evaluated: 2024-05-19. Review status: criteria provided, single submitter. Criteria: Ambry Variant Classification Scheme 2023. Collection method: clinical testing. Allele origin: germline.
Comment: The p.R659G variant (also known as c.1975C>G), located in coding exon 2 of the TNXB gene, results from a C to G substitution at nucleotide position 1975. The arginine at codon 659 is replaced by glycine, an amino acid with dissimilar properties. This amino acid position is conserved. In addition, this alteration is predicted to be tolerated by in silico analysis. Based on the available evidence, the clinical significance of this variant remains unclear.